The following is an entry in ClinVar:

NM_000059.4(BRCA2):c.5634C>A (p.Asn1878Lys)

Gene: BRCA2 (BRCA2 DNA repair associated; plus strand). Cytogenetic location: 13q13.1.
Variant type: single nucleotide variant.
Coding change: c.5634C>A on transcript NM_000059.4 (MANE Select); coding-DNA position 5634, C replaced by A.
Protein change: p.Asn1878Lys; replaces asparagine 1878 with lysine.
Molecular consequence: missense variant.
Genome position (GRCh38, 1-based): chr13:32,339,989, C>A. VCF-style: chr13-32339989-C-A. GRCh37 (hg19) VCF-style: chr13-32914126-C-A.
Other names: short protein forms N1878K.
Identifiers: ClinVar variation 1553491 (VCV001553491.11), dbSNP rs80358784, ClinGen allele CA6940892.

ClinVar aggregate classification (germline): Conflicting classifications of pathogenicity. Review status: criteria provided, conflicting classifications (1 of 4 stars). 3 submissions from 3 submitters: Uncertain significance (1); Likely benign (2). Last evaluated 2023-05-19.

Conditions:
Hereditary cancer-predisposing syndrome. Also called: Neoplastic Syndromes, Hereditary; Hereditary Cancer Syndrome; Tumor predisposition; Hereditary neoplastic syndrome. Identifiers: Orphanet 140162, MedGen C0027672, MeSH D009386, MONDO:0015356.
Hereditary breast ovarian cancer syndrome. Also called: Hereditary breast and/or ovarian cancer syndrome; BRCA1- and BRCA2-Associated Hereditary Breast and Ovarian Cancer; Hereditary breast and ovarian cancer syndrome; Hereditary breast and ovarian cancer syndrome (HBOC); Breast and ovarian cancer; Hereditary breast and ovarian cancer. Identifiers: Orphanet 145, MedGen C0677776, MeSH D061325, MONDO:0003582. Disease mechanism: loss of function.

gnomAD v4.1: 3 of 1,611,768 alleles (0.00019%); highest among the groups gnomAD compares: South Asian, 0.0011%; no homozygotes.

Submissions (3):

Labcorp Genetics (formerly Invitae), Labcorp
Classification: Likely benign for Hereditary breast ovarian cancer syndrome. Last evaluated: 2023-05-19. Review status: criteria provided, single submitter. Criteria: Invitae Variant Classification Sherloc (09022015). Collection method: clinical testing. Allele origin: germline.

University of Washington Department of Laboratory Medicine, University of Washington
Classification: Likely benign for Hereditary cancer-predisposing syndrome. Last evaluated: 2023-03-23. Review status: criteria provided, single submitter. Criteria: Dines et al. (Genet Med. 2020). Collection method: curation. Allele origin: germline.
Comment: Missense variant in a coldspot region where missense variants are very unlikely to be pathogenic (PMID:31911673).

BRCA2 exon 11 coldspot. Reclassification based on statistical prior probability.

Ambry Genetics
Classification: Uncertain significance for Hereditary cancer-predisposing syndrome. Last evaluated: 2021-08-12. Review status: criteria provided, single submitter. Criteria: Ambry Variant Classification Scheme 2023. Collection method: clinical testing. Allele origin: germline.
Comment: The p.N1878K variant (also known as c.5634C>A), located in coding exon 10 of the BRCA2 gene, results from a C to A substitution at nucleotide position 5634. The asparagine at codon 1878 is replaced by lysine, an amino acid with similar properties. This amino acid position is poorly conserved in available vertebrate species. In addition, this alteration is predicted to be tolerated by in silico analysis. Since supporting evidence is limited at this time, the clinical significance of this alteration remains unclear.